The following is an entry in ClinVar:

NM_018136.5(ASPM):c.302A>G (p.Lys101Arg)

Gene: ASPM (assembly factor for spindle microtubules; minus strand). Cytogenetic location: 1q31.3.
Variant type: single nucleotide variant.
Coding change: c.302A>G on transcript NM_018136.5 (MANE Select); coding-DNA position 302, A replaced by G.
Protein change: p.Lys101Arg; replaces lysine 101 with arginine.
Molecular consequence: missense variant.
Genome position (GRCh38, 1-based): chr1:197,144,096, T>C on the plus strand (A>G on the coding strand, the complement: ASPM is on the minus strand). VCF-style: chr1-197144096-T-C. GRCh37 (hg19) VCF-style: chr1-197113226-T-C.
Other names: c.302A>G, p.Lys101Arg (NM_001206846.2); short protein forms K101R.
Identifiers: ClinVar variation 234254 (VCV000234254.2), dbSNP rs876660958, ClinGen allele CA10577225.

ClinVar aggregate classification (germline): Uncertain significance (1 of 4 stars; one submission).

Allele frequency attached by ClinVar (database versions not stated): gnomAD 0.00001; TOPMed 0.00002; gnomAD exomes below 0.00001.
gnomAD v4.1: 2 of 1,599,624 alleles (0.00013%); highest among the groups gnomAD compares: African/African-American, 0.0027%; no homozygotes.

Submission:

GeneDx
Classification: Uncertain significance. Last evaluated: 2014-04-28. Review status: criteria provided, single submitter. Criteria: GeneDx Variant Classification (06012015). Collection method: clinical testing. Allele origin: germline. Affected: yes.
Comment: The K101R variant has not been published as a mutation, nor has it been reported as a benign polymorphism to our knowledge. It was not observed in approximately 6,500 individuals of European and African American ancestry in the NHLBI Exome Sequencing Project, indicating it is not a common benign variant in these populations. The K101R variant is a conservative amino acid substitution, which is not likely to impact secondary protein structure as these residues share similar properties and in silico analysis predicts this variant likely does not alter the protein structure/function. However, this substitution occurs at a position that is conserved across mammals. Therefore, based on the currently available information, it is unclear whether this variant is a pathogenic mutation or a rare benign variant.